The following is an entry in ClinVar:

ClinVar aggregate classification (germline): Likely benign (1 of 4 stars; one submission).

gnomAD v4.1: 54 of 1,613,974 alleles (0.0033%); highest among the groups gnomAD compares: Non-Finnish European, 0.0043%; no homozygotes.

Submission:

CeGaT Center for Human Genetics Tuebingen
Classification: Likely benign. Last evaluated: 2026-08-01. Review status: criteria provided, single submitter. Criteria: CeGaT Center For Human Genetics Tuebingen Variant Classification Criteria Version 2. Collection method: clinical testing. Allele origin: germline. Affected: yes. Observed: 1 variant allele.
Comment: WDFY3: BP4, BP7

NM_014991.6(WDFY3):c.4236A>G (p.Ala1412=)

Gene: WDFY3 (WD repeat and FYVE domain containing 3; minus strand). Cytogenetic location: 4q21.23.
Variant type: single nucleotide variant.
Coding change: c.4236A>G on transcript NM_014991.6 (MANE Select); coding-DNA position 4236, A replaced by G.
Protein change: p.Ala1412=; no amino-acid change (alanine 1412 retained).
Molecular consequence: synonymous variant.
Genome position (GRCh38, 1-based): chr4:84,780,237, T>C on the plus strand (A>G on the coding strand, the complement: WDFY3 is on the minus strand). VCF-style: chr4-84780237-T-C. GRCh37 (hg19) VCF-style: chr4-85701390-T-C.
Identifiers: ClinVar variation 5038532 (VCV005038532.1).